The following is an entry in ClinVar:

NM_016169.4(SUFU):c.26C>A (p.Ala9Asp)

Genes: SUFU (SUFU negative regulator of hedgehog signaling; plus strand), LOC130004614 (ATAC-STARR-seq lymphoblastoid silent region 2764; plus strand). Cytogenetic location: 10q24.32.
Variant type: single nucleotide variant.
Coding change: c.26C>A on transcript NM_016169.4 (MANE Select); coding-DNA position 26, C replaced by A.
Protein change: p.Ala9Asp; replaces alanine 9 with aspartic acid.
Molecular consequence: missense variant.
Genome position (GRCh38, 1-based): chr10:102,504,178, C>A. VCF-style: chr10-102504178-C-A. GRCh37 (hg19) VCF-style: chr10-104263935-C-A.
Other names: c.26C>A, p.Ala9Asp (NM_001178133.2); short protein forms A9D.
Identifiers: ClinVar variation 947067 (VCV000947067.13), dbSNP rs775491374, ClinGen allele CA5667578.

ClinVar aggregate classification (germline): Uncertain significance. Review status: criteria provided, multiple submitters, no conflicts (2 of 4 stars). 2 submissions from 2 submitters: Uncertain significance (2). Last evaluated 2026-06-29.

Conditions:
Gorlin syndrome. Also called: Nevoid Basal Cell Carcinoma Syndrome; Basal cell nevus syndrome. Identifiers: Orphanet 377, MedGen C0004779, MONDO:0007187.
Medulloblastoma (MDB). Also called: Medulloblastoma, somatic; MEDULLOBLASTOMA PREDISPOSITION SYNDROME. Identifiers: Orphanet 616, MedGen C0025149, MeSH D008527, MONDO:0007959, OMIM 155255, HP:0002885.
Hereditary cancer-predisposing syndrome. Also called: Neoplastic Syndromes, Hereditary; Hereditary Cancer Syndrome; Tumor predisposition; Hereditary neoplastic syndrome. Identifiers: Orphanet 140162, MedGen C0027672, MeSH D009386, MONDO:0015356.

Allele frequency attached by ClinVar (database versions not stated): ExAC below 0.00001; gnomAD 0.00001.
gnomAD v4.1: 2 of 1,544,042 alleles (0.00013%); highest among the groups gnomAD compares: African/African-American, 0.0027%; no homozygotes.

Submissions (2):

Ambry Genetics
Classification: Uncertain significance for Hereditary cancer-predisposing syndrome. Last evaluated: 2026-06-29. Review status: criteria provided, single submitter. Criteria: Ambry Variant Classification Scheme 2023. Collection method: clinical testing. Allele origin: germline.

Labcorp Genetics (formerly Invitae), Labcorp
Classification: Uncertain significance for Gorlin syndrome; Medulloblastoma. Last evaluated: 2025-12-17. Review status: criteria provided, single submitter. Criteria: Invitae Variant Classification Sherloc (09022015). Collection method: clinical testing. Allele origin: germline.
Comment: This sequence change replaces alanine, which is neutral and non-polar, with aspartic acid, which is acidic and polar, at codon 9 of the SUFU protein (p.Ala9Asp). This variant is not present in population databases (gnomAD no frequency). This variant has not been reported in the literature in individuals affected with SUFU-related conditions. ClinVar contains an entry for this variant (Variation ID: 947067). An algorithm developed to predict the effect of missense changes on protein structure and function (PolyPhen-2) suggests that this variant is likely to be disruptive. In summary, the available evidence is currently insufficient to determine the role of this variant in disease. Therefore, it has been classified as a Variant of Uncertain Significance.